The following is an entry in ClinVar:

NM_001166108.2(PALLD):c.2758C>A (p.Pro920Thr)

Genes: CBR4 (carbonyl reductase 4; minus strand), PALLD (palladin, cytoskeletal associated protein; plus strand). Cytogenetic location: 4q32.3.
Variant type: single nucleotide variant.
Coding change: c.2758C>A on transcript NM_001166108.2 (MANE Select); coding-DNA position 2758, C replaced by A.
Protein change: p.Pro920Thr; replaces proline 920 with threonine.
Molecular consequence: missense variant.
Genome position (GRCh38, 1-based): chr4:168,915,935, C>A. VCF-style: chr4-168915935-C-A. GRCh37 (hg19) VCF-style: chr4-169837086-C-A.
Other names: c.1561C>A, p.Pro521Thr (NM_001166109.2); c.1246C>A, p.Pro416Thr (NM_001166110.2); c.586C>A, p.Pro196Thr (NM_001367567.1, NM_001367569.1); c.637C>A, p.Pro213Thr (NM_001367568.1, NM_001367570.1); c.2707C>A, p.Pro903Thr (NM_016081.4); short protein forms P521T, P903T, P920T, P213T, P196T, P416T.
Identifiers: ClinVar variation 1794994 (VCV001794994.2), dbSNP rs1351963891, ClinGen allele CA358706628.

ClinVar aggregate classification (germline): Uncertain significance (1 of 4 stars; one submission).

Allele frequency attached by ClinVar (database versions not stated): gnomAD exomes below 0.00001.
gnomAD v4.1: 1 of 1,613,100 alleles (0.000062%); highest among the groups gnomAD compares: Admixed American, 0.0017%; no homozygotes.

Submission:

Ambry Genetics
Classification: Uncertain significance. Last evaluated: 2023-09-28. Review status: criteria provided, single submitter. Criteria: Ambry Variant Classification Scheme 2023. Collection method: clinical testing. Allele origin: germline.
Comment: The p.P903T variant (also known as c.2707C>A), located in coding exon 15 of the PALLD gene, results from a C to A substitution at nucleotide position 2707. The proline at codon 903 is replaced by threonine, an amino acid with highly similar properties. This amino acid position is conserved. In addition, this alteration is predicted to be tolerated by in silico analysis. Since supporting evidence is limited at this time, the clinical significance of this alteration remains unclear.